The following is an entry in ClinVar:

ClinVar aggregate classification (germline): Likely benign. Review status: criteria provided, multiple submitters, no conflicts (2 of 4 stars). 3 submissions from 3 submitters: Likely benign (3). Last evaluated 2026-01-19.

Conditions:
Cardiovascular phenotype. Identifiers: MedGen CN230736.
Arrhythmogenic cardiomyopathy with wooly hair and keratoderma. Also called: Dilated cardiomyopathy with woolly hair and keratoderma; PALMOPLANTAR KERATODERMA WITH LEFT VENTRICULAR CARDIOMYOPATHY AND WOOLLY HAIR; Arrhythmogenic cardiomyopathy with woolly hair and keratoderma; Carvajal syndrome. Identifiers: Orphanet 65282, MedGen C1854063, MONDO:0011581, OMIM 605676.
Arrhythmogenic right ventricular dysplasia 8 (ARVD8). Also called: ARRHYTHMOGENIC RIGHT VENTRICULAR DYSPLASIA, FAMILIAL, 8; ARRHYTHMOGENIC RIGHT VENTRICULAR CARDIOMYOPATHY 8; Arrhythmogenic Right Ventricular Dysplasia/Cardiomyopathy 8. Identifiers: MedGen C1843896, MONDO:0011831, OMIM 607450.

Allele frequency attached by ClinVar (database versions not stated): gnomAD exomes 0.00001.
gnomAD v4.1: 9 of 1,614,238 alleles (0.00056%); highest among the groups gnomAD compares: Non-Finnish European, 0.00068%; no homozygotes.

Submissions (3):

Labcorp Genetics (formerly Invitae), Labcorp
Classification: Likely benign for Arrhythmogenic cardiomyopathy with wooly hair and keratoderma; Arrhythmogenic right ventricular dysplasia 8. Last evaluated: 2026-01-19. Review status: criteria provided, single submitter. Criteria: Invitae Variant Classification Sherloc (09022015). Collection method: clinical testing. Allele origin: germline.

Ambry Genetics
Classification: Likely benign for Cardiovascular phenotype. Last evaluated: 2024-04-28. Review status: criteria provided, single submitter. Criteria: Ambry Variant Classification Scheme 2023. Collection method: clinical testing. Allele origin: germline.

All of Us Research Program, National Institutes of Health
Classification: Likely benign for Arrhythmogenic cardiomyopathy with wooly hair and keratoderma. Last evaluated: 2023-05-04. Review status: criteria provided, single submitter. Criteria: ACMG Guidelines, 2015. Collection method: clinical testing. Allele origin: germline. Inheritance: Autosomal dominant inheritance. Observed: 3 variant alleles, 3 heterozygotes.
Comment: This study involves interpretation of variants in research participants for the purpose of population health screening. Participant phenotype was not available at the time of variant classification. Additional details can be found in publication PMID: 35346344, PMCID: PMC8962531

NM_004415.4(DSP):c.8382A>G (p.Val2794=)

Gene: DSP (desmoplakin; plus strand). Cytogenetic location: 6p24.3.
Variant type: single nucleotide variant.
Coding change: c.8382A>G on transcript NM_004415.4 (MANE Select); coding-DNA position 8382, A replaced by G.
Protein change: p.Val2794=; no amino-acid change (valine 2794 retained).
Molecular consequence: synonymous variant.
Genome position (GRCh38, 1-based): chr6:7,585,644, A>G. VCF-style: chr6-7585644-A-G. GRCh37 (hg19) VCF-style: chr6-7585877-A-G.
Other names: c.8382A>G (NM_004415.2); c.6585A>G, p.Val2195= (NM_001008844.3); c.7053A>G, p.Val2351= (NM_001319034.2).
Identifiers: ClinVar variation 1126516 (VCV001126516.11), dbSNP rs1025921677, ClinGen allele CA133977889.